The following is an entry in ClinVar:

ClinVar aggregate classification (germline): Uncertain significance. Review status: criteria provided, multiple submitters, no conflicts (2 of 4 stars). 2 submissions from 2 submitters: Uncertain significance (2). Last evaluated 2025-11-12.

Conditions:
Inborn genetic diseases. Identifiers: MedGen C0950123, MeSH D030342.
Left ventricular noncompaction 8 (LVNC8). Identifiers: Orphanet 154, Orphanet 54260, MedGen C3809288, MONDO:0014152, OMIM 615373.

Submissions (2):

Ambry Genetics
Classification: Uncertain significance for Inborn genetic diseases. Last evaluated: 2025-11-12. Review status: criteria provided, single submitter. Criteria: Ambry Variant Classification Scheme 2023. Collection method: clinical testing. Allele origin: germline.

Labcorp Genetics (formerly Invitae), Labcorp
Classification: Uncertain significance for Left ventricular noncompaction 8. Last evaluated: 2018-08-04. Review status: criteria provided, single submitter. Criteria: Invitae Variant Classification Sherloc (09022015). Collection method: clinical testing. Allele origin: germline.
Comment: In summary, the available evidence is currently insufficient to determine the role of this variant in disease. Therefore, it has been classified as a Variant of Uncertain Significance. Algorithms developed to predict the effect of missense changes on protein structure and function (SIFT, PolyPhen-2, Align-GVGD) all suggest that this variant is likely to be disruptive, but these predictions have not been confirmed by published functional studies and their clinical significance is uncertain. This variant has not been reported in the literature in individuals with PRDM16-related disease. This variant is not present in population databases (ExAC no frequency). This sequence change replaces lysine with asparagine at codon 473 of the PRDM16 protein (p.Lys473Asn). The lysine residue is highly conserved and there is a moderate physicochemical difference between lysine and asparagine.

NM_022114.4(PRDM16):c.1419A>C (p.Lys473Asn)

Gene: PRDM16 (PR/SET domain 16; plus strand). Cytogenetic location: 1p36.32.
Variant type: single nucleotide variant.
Coding change: c.1419A>C on transcript NM_022114.4 (MANE Select); coding-DNA position 1419, A replaced by C.
Protein change: p.Lys473Asn; replaces lysine 473 with asparagine.
Molecular consequence: missense variant.
Genome position (GRCh38, 1-based): chr1:3,411,616, A>C. VCF-style: chr1-3411616-A-C. GRCh37 (hg19) VCF-style: chr1-3328180-A-C.
Other names: c.1419A>C, p.Lys473Asn (NM_199454.3); short protein forms K473N.
Identifiers: ClinVar variation 649442 (VCV000649442.9), dbSNP rs1569727906, ClinGen allele CA337997360.